The following is an entry in ClinVar:

ClinVar aggregate classification (germline): Pathogenic. Review status: criteria provided, multiple submitters, no conflicts (2 of 4 stars). 2 submissions from 2 submitters: Pathogenic (2). Last evaluated 2025-06-23.

Conditions:
Hereditary cancer-predisposing syndrome. Also called: Neoplastic Syndromes, Hereditary; Hereditary Cancer Syndrome; Hereditary neoplastic syndrome; Tumor predisposition. Identifiers: Orphanet 140162, MedGen C0027672, MeSH D009386, MONDO:0015356.
Hereditary breast ovarian cancer syndrome. Also called: Hereditary breast and ovarian cancer; Breast and ovarian cancer; BRCA1- and BRCA2-Associated Hereditary Breast and Ovarian Cancer; Hereditary breast and/or ovarian cancer syndrome; Hereditary breast and ovarian cancer syndrome; Hereditary breast and ovarian cancer syndrome (HBOC). Identifiers: Orphanet 145, MedGen C0677776, MeSH D061325, MONDO:0003582. Disease mechanism: loss of function.

Submissions (2):

Ambry Genetics
Classification: Pathogenic for Hereditary cancer-predisposing syndrome. Last evaluated: 2025-06-23. Review status: criteria provided, single submitter. Criteria: Ambry Variant Classification Scheme 2023. Collection method: clinical testing. Allele origin: germline.
Comment: The p.E2236* pathogenic mutation (also known as c.6706G>T), located in coding exon 10 of the BRCA2 gene, results from a G to T substitution at nucleotide position 6706. This changes the amino acid from a glutamic acid to a stop codon within coding exon 10. This variant is considered to be rare based on population cohorts in the Genome Aggregation Database (gnomAD). This alteration is expected to result in loss of function by premature protein truncation or nonsense-mediated mRNA decay. As such, this alteration is interpreted as a disease-causing mutation.

Labcorp Genetics (formerly Invitae), Labcorp
Classification: Pathogenic for Hereditary breast ovarian cancer syndrome. Last evaluated: 2021-08-18. Review status: criteria provided, single submitter. Criteria: Invitae Variant Classification Sherloc (09022015). Collection method: clinical testing. Allele origin: germline.
Comment: This sequence change creates a premature translational stop signal (p.Glu2236*) in the BRCA2 gene. It is expected to result in an absent or disrupted protein product. Loss-of-function variants in BRCA2 are known to be pathogenic (PMID: 20104584). This variant is not present in population databases (ExAC no frequency). This variant has not been reported in the literature in individuals affected with BRCA2-related conditions. Algorithms developed to predict the effect of sequence changes on RNA splicing suggest that this variant may create or strengthen a splice site. For these reasons, this variant has been classified as Pathogenic.

Literature cited by the submitters: PubMed 20104584 (cited by Labcorp Genetics (formerly Invitae), Labcorp).

NM_000059.4(BRCA2):c.6706G>T (p.Glu2236Ter)

Gene: BRCA2 (BRCA2 DNA repair associated; plus strand). Cytogenetic location: 13q13.1.
Variant type: single nucleotide variant.
Coding change: c.6706G>T on transcript NM_000059.4 (MANE Select); coding-DNA position 6706, G replaced by T.
Protein change: p.Glu2236Ter; replaces glutamic acid 2236 with a stop codon.
Molecular consequence: nonsense.
Genome position (GRCh38, 1-based): chr13:32,341,061, G>T. VCF-style: chr13-32341061-G-T. GRCh37 (hg19) VCF-style: chr13-32915198-G-T.
Other names: c.6706G>T (NM_000059.3); short protein forms E2236*.
Identifiers: ClinVar variation 1459863 (VCV001459863.7), dbSNP rs41293503, ClinGen allele CA387790972.